The following is an entry in ClinVar:

ClinVar aggregate classification (germline): Likely pathogenic (1 of 4 stars; one submission).

Submission:

Centre for Mendelian Genomics, University Medical Centre Ljubljana
Classification: Likely pathogenic. Last evaluated: 2018-11-18. Review status: criteria provided, single submitter. Criteria: ACMG Guidelines, 2015. Collection method: clinical testing. Allele origin: unknown. Affected: yes.
Comment: This variant was classified as: Likely pathogenic. The following ACMG criteria were applied in classifying this variant: PVS1,PM2,PP3.

NM_000255.4(MMUT):c.61G>T (p.Glu21Ter)

Gene: MMUT (methylmalonyl-CoA mutase; minus strand). Cytogenetic location: 6p12.3.
Variant type: single nucleotide variant.
Coding change: c.61G>T on transcript NM_000255.4 (MANE Select); coding-DNA position 61, G replaced by T.
Protein change: p.Glu21Ter; replaces glutamic acid 21 with a stop codon.
Molecular consequence: nonsense.
Genome position (GRCh38, 1-based): chr6:49,459,406, C>A on the plus strand (G>T on the coding strand, the complement: MMUT is on the minus strand). VCF-style: chr6-49459406-C-A. GRCh37 (hg19) VCF-style: chr6-49427119-C-A.
Other names: short protein forms E21*.
Identifiers: ClinVar variation 931955 (VCV000931955.3), dbSNP rs1767780776, ClinGen allele CA364405880.